The following is an entry in ClinVar:

NM_001165963.4(SCN1A):c.4494C>G (p.Ile1498Met)

Genes: SCN1A (sodium voltage-gated channel alpha subunit 1; minus strand), LOC102724058 (uncharacterized LOC102724058; plus strand). Cytogenetic location: 2q24.3.
Variant type: single nucleotide variant.
Coding change: c.4494C>G on transcript NM_001165963.4 (MANE Select); coding-DNA position 4494, C replaced by G.
Protein change: p.Ile1498Met; replaces isoleucine 1498 with methionine.
Molecular consequence: missense variant. On other transcripts: non-coding transcript variant (1).
Genome position (GRCh38, 1-based): chr2:165,996,100, G>C on the plus strand (C>G on the coding strand, the complement: SCN1A is on the minus strand). VCF-style: chr2-165996100-G-C. GRCh37 (hg19) VCF-style: chr2-166852610-G-C.
Other names: c.4410C>G, p.Ile1470Met (NM_001165964.3, NM_001353957.2, NM_001353958.2); c.4494C>G, p.Ile1498Met (NM_001202435.3, NM_001353948.2); c.4461C>G, p.Ile1487Met (NM_001353949.2, NM_001353950.2, NM_001353951.2 and 2 more transcripts); c.4458C>G, p.Ile1486Met (NM_001353954.2, NM_001353955.2); c.4407C>G, p.Ile1469Met (NM_001353960.2); c.2052C>G, p.Ile684Met (NM_001353961.2); short protein forms I1469M, I1470M, I1486M, I1487M, I1498M, I684M.
Identifiers: ClinVar variation 3067153 (VCV003067153.2), dbSNP rs2468377488, ClinGen allele CA349048854.

Conditions:
Severe myoclonic epilepsy in infancy (DRVT). Also called: Epileptic encephalopathy, early infantile, 6 (Dravet syndrome); Dravet syndrome; SEVERE MYOCLONIC EPILEPSY OF INFANCY; DEVELOPMENTAL AND EPILEPTIC ENCEPHALOPATHY 6A; Severe Myoclonic Epilepsy in Infancy (SMEI). Identifiers: Orphanet 33069, MedGen C0751122, MONDO:0100135, OMIM 607208.

Allele frequency attached by ClinVar (database versions not stated): gnomAD exomes below 0.00001.
gnomAD v4.1: 1 of 1,606,004 alleles (0.000062%); highest among the groups gnomAD compares: Non-Finnish European, 0.000085%; no homozygotes.

Submission:

Channelopathy-Associated Epilepsy Research Center
No classification provided (evidence only). Condition: Severe myoclonic epilepsy in infancy. Review status: no classification provided. Collection method: literature only. Allele origin: not applicable. Functional consequence: Severe decrease in peak current, Normal voltage dependence of activation, Normal slope of activation, Severe depolarizing shift of voltage dependence of fast inactivation, Normal slope of fast inactivation, Normal fast inactivation, Severe increase in persistent current, Acceleration of recovery from fast inactivation, Overall gain-of-function effect with respect to biophysical channel activity.
ClinVar note: "not provided" was previously submitted as the classification for the variant. However, the classification appeared to be based only on an observation of functional data so it was converted to no classification on 2025-07-30.

Literature cited by the submitters: PubMed 35696452.